The following is an entry in ClinVar:

NM_000368.5(TSC1):c.107-15C>T

Gene: TSC1 (TSC complex subunit 1; minus strand). Cytogenetic location: 9q34.13.
Variant type: single nucleotide variant.
Coding change: c.107-15C>T on transcript NM_000368.5 (MANE Select); 15 bases into the intron before coding-DNA position 107, C replaced by T.
Molecular consequence: intron variant.
Genome position (GRCh38, 1-based): chr9:132,927,319, G>A on the plus strand (C>T on the coding strand, the complement: TSC1 is on the minus strand). VCF-style: chr9-132927319-G-A. GRCh37 (hg19) VCF-style: chr9-135802706-G-A.
Other names: c.107-15C>T (NM_001406592.1, NM_001406600.1, NM_001406595.1 and 21 more transcripts); c.-154+1448C>T (NM_001406619.1, NM_001406622.1, NM_001362177.2 and 3 more transcripts); c.-246+1448C>T (NM_001406614.1); c.-771-15C>T (NM_001406628.1, NM_001406626.1, NM_001406627.1); c.-987-15C>T (NM_001406630.1); c.-349-15C>T (NM_001406624.1, NM_001406616.1); c.-382-15C>T (NM_001406623.1, NM_001406615.1); c.-153-1580C>T (NM_001406620.1, NM_001406618.1); and 1 more.
Identifiers: ClinVar variation 3073675 (VCV003073675.1), dbSNP rs1448464915, ClinGen allele CA860683142.
Genomic context (GRCh38, chr9:132,927,319, plus strand): 5'-TCCAGGTAATAATCCACCAAGGTGTTTACAAGCATAGGGCCACGGTCTAAATCAAGAAAA[G>A]GGCAATGGATGATACTTATTCCCCTTAACATCCTAAATTTACCTTACACAGCTTCCTGTC-3'

ClinVar aggregate classification (germline): Likely benign (1 of 4 stars; one submission).

Conditions:
Tuberous sclerosis syndrome (TSC). Also called: Tuberous Sclerosis Complex; Tuberous sclerosis. Identifiers: Orphanet 805, MedGen C0041341, MONDO:0001734.

Allele frequency attached by ClinVar (database versions not stated): TOPMed below 0.00001; gnomAD 0.00001.
gnomAD v4.1: 1 of 1,610,488 alleles (0.000062%); highest among the groups gnomAD compares: Non-Finnish European, 0.000085%; no homozygotes.

Submission:

All of Us Research Program, National Institutes of Health
Classification: Likely benign for Tuberous sclerosis syndrome. Last evaluated: 2023-10-06. Review status: criteria provided, single submitter. Criteria: ACMG Guidelines, 2015. Collection method: clinical testing. Allele origin: germline. Inheritance: Autosomal dominant inheritance. Observed: 1 variant allele, 1 heterozygote.
Comment: This study involves interpretation of variants in research participants for the purpose of population health screening. Participant phenotype was not available at the time of variant classification. Additional details can be found in publication PMID: 35346344, PMCID: PMC8962531